The following is an entry in ClinVar:

NM_003001.5(SDHC):c.242G>T (p.Gly81Val)

Gene: SDHC (succinate dehydrogenase complex subunit C; plus strand). Cytogenetic location: 1q23.3.
Variant type: single nucleotide variant.
Coding change: c.242G>T on transcript NM_003001.5 (MANE Select); coding-DNA position 242, G replaced by T.
Protein change: p.Gly81Val; replaces glycine 81 with valine.
Molecular consequence: missense variant. On other transcripts: non-coding transcript variant (1), intron variant (3).
Genome position (GRCh38, 1-based): chr1:161,356,677, G>T. VCF-style: chr1-161356677-G-T. GRCh37 (hg19) VCF-style: chr1-161326467-G-T.
Other names: c.185G>T, p.Gly62Val (NM_001407116.1); c.179G>T, p.Arg60Met (NM_001407117.1); c.134G>T, p.Arg45Met (NM_001407118.1); c.131G>T, p.Gly44Val (NM_001407119.1, NM_001407120.1); c.242-5652G>T (NM_001035511.3); c.140-5652G>T (NM_001278172.3); c.185-5652G>T (NM_001407121.1); c.140G>T, p.Gly47Val (NM_001035512.3); and 2 more; short protein forms G47V, G81V, G28V, G44V, G62V, R45M, G121V, R60M.
Identifiers: ClinVar variation 821264 (VCV000821264.15), dbSNP rs781756162, ClinGen allele CA047231.

ClinVar aggregate classification (germline): Uncertain significance. Review status: criteria provided, multiple submitters, no conflicts (2 of 4 stars). 4 submissions from 4 submitters: Uncertain significance (4). Last evaluated 2025-06-23.

Conditions:
Hereditary pheochromocytoma and paraganglioma. Also called: Hereditary pheochromocytoma-paraganglioma; Hereditary Paraganglioma-Pheochromocytoma Syndromes; Hereditary paragangliomas and pheochromocytomas. Identifiers: Orphanet 29072, MedGen C4274332, MONDO:0017366.
Gastrointestinal stromal tumor. Also called: Gastrointestinal stromal tumor, somatic; Gastrointestinal stroma tumor. Identifiers: Orphanet 44890, MedGen C0238198, MeSH D046152, MONDO:0011719, OMIM 606764, HP:0100723.
Pheochromocytoma/paraganglioma syndrome 3. Also called: SDHC-Related Hereditary Paraganglioma-Pheochromocytoma Syndrome (Paragangliomas 3); SDHC-Related Hereditary Paraganglioma-Pheochromocytoma Syndrome; Paragangliomas 3; GLOMUS TUMORS, FAMILIAL, 3. Identifiers: Orphanet 29072, MedGen C1854336, MONDO:0011544, OMIM 605373.
Hereditary cancer-predisposing syndrome. Also called: Neoplastic Syndromes, Hereditary; Hereditary Cancer Syndrome; Hereditary neoplastic syndrome; Tumor predisposition. Identifiers: Orphanet 140162, MedGen C0027672, MeSH D009386, MONDO:0015356.

Allele frequency attached by ClinVar (database versions not stated): ExAC 0.00001; gnomAD exomes 0.00001.
gnomAD v4.1: 6 of 1,613,790 alleles (0.00037%); highest among the groups gnomAD compares: South Asian, 0.0066%; no homozygotes.

Submissions (4):

Ambry Genetics
Classification: Uncertain significance for Hereditary cancer-predisposing syndrome. Last evaluated: 2025-06-23. Review status: criteria provided, single submitter. Criteria: Ambry Variant Classification Scheme 2023. Collection method: clinical testing. Allele origin: germline.
Comment: The p.G81V variant (also known as c.242G>T) is located in coding exon 5 of the SDHC gene. The glycine at codon 81 is replaced by valine, an amino acid with dissimilar properties. This alteration was identified in 1/143 individuals diagnosed with a pheochromocytoma and/or paraganglioma (Bennedb&aelig;k M et al. Hered Cancer Clin Pract. 2016 Jun;14:13). This change occurs in the first base pair of coding exon 5. This amino acid position is highly conserved in available vertebrate species. In addition, the in silico prediction for this alteration is inconclusive. Based on the available evidence, the clinical significance of this variant remains unclear.

Department of Clinical Genetics, Copenhagen University Hospital, Rigshospitalet
Classification: Uncertain significance for Hereditary pheochromocytoma and paraganglioma. Last evaluated: 2025-01-24. Review status: criteria provided, single submitter. Criteria: ACMG Guidelines, 2015. Collection method: clinical testing. Allele origin: germline.
Comment: The following ACMG criteria have been used in classification: PM2_SUP; PP3; BS2 (Observed in homozygote state)

GeneDx
Classification: Uncertain significance. Last evaluated: 2023-12-04. Review status: criteria provided, single submitter. Criteria: GeneDx Variant Classification Process June 2021. Collection method: clinical testing. Allele origin: germline. Affected: yes.
Comment: In silico analysis supports that this missense variant has a deleterious effect on protein structure/function; In silico analysis is inconclusive as to whether the variant alters gene splicing. In the absence of RNA/functional studies, the actual effect of this sequence change is unknown.; Not observed at significant frequency in large population cohorts (gnomAD); This variant is associated with the following publications: (PMID: 27279923)

Labcorp Genetics (formerly Invitae), Labcorp
Classification: Uncertain significance for Pheochromocytoma/paraganglioma syndrome 3; Gastrointestinal stromal tumor. Last evaluated: 2022-01-27. Review status: criteria provided, single submitter. Criteria: Invitae Variant Classification Sherloc (09022015). Collection method: clinical testing. Allele origin: germline.
Comment: In summary, the available evidence is currently insufficient to determine the role of this variant in disease. Therefore, it has been classified as a Variant of Uncertain Significance. Algorithms developed to predict the effect of sequence changes on RNA splicing suggest that this variant may disrupt the consensus splice site. Algorithms developed to predict the effect of missense changes on protein structure and function are either unavailable or do not agree on the potential impact of this missense change (SIFT: "Tolerated"; PolyPhen-2: "Probably Damaging"; Align-GVGD: "Class C0"). ClinVar contains an entry for this variant (Variation ID: 821264). This missense change has been observed in individual(s) with paraganglioma-pheochromocytoma syndrome (PMID: 27279923). This variant is present in population databases (rs781756162, gnomAD 0.01%). This sequence change replaces glycine, which is neutral and non-polar, with valine, which is neutral and non-polar, at codon 81 of the SDHC protein (p.Gly81Val).

Literature cited by the submitters: PubMed 27279923 (cited by 3 submitters).